The following is an entry in ClinVar:

ClinVar aggregate classification (germline): Uncertain significance. Review status: criteria provided, multiple submitters, no conflicts (2 of 4 stars). 3 submissions from 3 submitters: Uncertain significance (3). Last evaluated 2025-03-26.

Conditions:
Sessile serrated polyposis cancer syndrome (SSPCS). Identifiers: Orphanet 157798, MedGen C4310714, MONDO:0014919, OMIM 617108.

Allele frequency attached by ClinVar (database versions not stated): gnomAD exomes below 0.00001 and 0.00001; gnomAD 0.00001; TOPMed 0.00001; ExAC 0.00003; 1000 Genomes Project 0.00020; 1000 Genomes Project 30x 0.00031.

Submissions (3):

Ambry Genetics
Classification: Uncertain significance. Last evaluated: 2025-03-26. Review status: criteria provided, single submitter. Criteria: Ambry Variant Classification Scheme 2023. Collection method: clinical testing. Allele origin: germline.
Comment: The p.R584W variant (also known as c.1750C>T), located in coding exon 8 of the RNF43 gene, results from a C to T substitution at nucleotide position 1750. The arginine at codon 584 is replaced by tryptophan, an amino acid with dissimilar properties. This amino acid position is conserved. In addition, this alteration is predicted to be tolerated by in silico analysis. Based on the available evidence, the clinical significance of this variant remains unclear.

Labcorp Genetics (formerly Invitae), Labcorp
Classification: Uncertain significance. Last evaluated: 2025-02-25. Review status: criteria provided, single submitter. Criteria: Invitae Variant Classification Sherloc (09022015). Collection method: clinical testing. Allele origin: germline.
Comment: This sequence change replaces arginine, which is basic and polar, with tryptophan, which is neutral and slightly polar, at codon 584 of the RNF43 protein (p.Arg584Trp). This variant is present in population databases (rs539442891, gnomAD 0.01%). This variant has not been reported in the literature in individuals affected with RNF43-related conditions. ClinVar contains an entry for this variant (Variation ID: 1516581). An algorithm developed to predict the effect of missense changes on protein structure and function (PolyPhen-2) suggests that this variant is likely to be disruptive. In summary, the available evidence is currently insufficient to determine the role of this variant in disease. Therefore, it has been classified as a Variant of Uncertain Significance.

Baylor Genetics
Classification: Uncertain significance for Sessile serrated polyposis cancer syndrome. Last evaluated: 2024-03-28. Review status: criteria provided, single submitter. Criteria: ACMG Guidelines, 2015. Collection method: clinical testing. Allele origin: unknown.

NM_017763.6(RNF43):c.1750C>T (p.Arg584Trp)

Gene: RNF43 (ring finger protein 43; minus strand). Cytogenetic location: 17q22.
Variant type: single nucleotide variant.
Coding change: c.1750C>T on transcript NM_017763.6 (MANE Select); coding-DNA position 1750, C replaced by T.
Protein change: p.Arg584Trp; replaces arginine 584 with tryptophan.
Molecular consequence: missense variant.
Genome position (GRCh38, 1-based): chr17:58,358,026, G>A on the plus strand (C>T on the coding strand, the complement: RNF43 is on the minus strand). VCF-style: chr17-58358026-G-A. GRCh37 (hg19) VCF-style: chr17-56435387-G-A.
Other names: c.1750C>T (NM_017763.4); c.1750C>T, p.Arg584Trp (NM_001305544.3); c.1369C>T, p.Arg457Trp (NM_001305545.2); short protein forms R584W, R457W.
Identifiers: ClinVar variation 1516581 (VCV001516581.10), dbSNP rs539442891, ClinGen allele CA8673118.
Genomic context (GRCh38, chr17:58,358,026, plus strand): 5'-CTGAGTTGGATCTGGTGACTTGCTGATCAGGAGAAGGTGGCTCTGGCTGGGGCTGTGTCC[G>A]AGGAATAGGAGGCCTGGACTGGGGGACTCCGGTTTCTGGGCCAGGCTTCCTGCCATGCCA-3'
Protein context (NP_060233.3, residues 574-594): GVPQSRPPIP[Arg584Trp]TQPQPEPPSP